The following is an entry in ClinVar:

NM_000088.4(COL1A1):c.957+4del

Gene: COL1A1 (collagen type I alpha 1 chain; minus strand). Cytogenetic location: 17q21.33.
Variant type: Deletion.
Coding change: c.957+4del on transcript NM_000088.4 (MANE Select); 4 bases into the intron after coding-DNA position 957, one base deleted (A; older notation c.957+4delA).
Molecular consequence: intron variant.
Genome position (GRCh38, 1-based): chr17:50,196,310, T deleted on the plus strand (A on the coding strand, the reverse complement: COL1A1 is on the minus strand); the first of 2 consecutive T bases (chr17:50,196,310-50,196,311); deleting either gives the same sequence. VCF-style (leftmost placement, unchanged base first): chr17-50196309-CT-C. GRCh37 (hg19) VCF-style: chr17-48273670-CT-C.
Identifiers: ClinVar variation 2630334 (VCV002630334.1), dbSNP rs2509235019, ClinGen allele CA2695200283.

ClinVar aggregate classification (germline): Uncertain significance (1 of 4 stars; one submission).

Conditions:
COL1A1-related disorder. Also called: COL1A1- related disease; COL1A1-related condition.

Submission:

PreventionGenetics, part of Exact Sciences
Classification: Uncertain significance for COL1A1-related condition. Last evaluated: 2023-02-07. Review status: criteria provided, single submitter. Criteria: ACMG Guidelines, 2015. Collection method: clinical testing. Allele origin: germline.
Comment: The COL1A1 c.957+4delA variant is predicted to result in an intronic deletion. This variant is predicted to abolish the canonical splice donor site according to available splicing in silico algorithms; however, these predictions are not equivalent to functional evidence (Alamut Visual Plus v1.6.1). To our knowledge, this variant has not been reported in the literature or in a large population database, indicating this variant is rare. Several other nearby splice-altering variants have been reported as pathogenic, supporting the possibility that this alteration could also be causative (NM_000088.4:c.957+5G>A, Bonadio et al. 1990. PubMed ID: 2298750; c.957+2dupT, Schleit et al. 2015. PubMed ID: 25963598; c.957+1G>T, Schleit et al. 2015. PubMed ID: 25963598; c.957+2T>A, Marini. 2007. PubMed ID: 17078022). Although we suspect that this variant may be pathogenic, at this time, the clinical significance of this variant remains uncertain due to insufficient functional and genetic evidence.